The following is an entry in ClinVar:

ClinVar aggregate classification (germline): Uncertain significance. Review status: criteria provided, multiple submitters, no conflicts (2 of 4 stars). 2 submissions from 2 submitters: Uncertain significance (2). Last evaluated 2024-03-21.

Conditions:
Hereditary cancer-predisposing syndrome. Also called: Hereditary neoplastic syndrome; Neoplastic Syndromes, Hereditary; Hereditary Cancer Syndrome; Tumor predisposition. Identifiers: Orphanet 140162, MedGen C0027672, MeSH D009386, MONDO:0015356.

Submissions (2):

Ambry Genetics
Classification: Uncertain significance for Hereditary cancer-predisposing syndrome. Last evaluated: 2024-03-21. Review status: criteria provided, single submitter. Criteria: Ambry Variant Classification Scheme 2023. Collection method: clinical testing. Allele origin: germline.
Comment: The p.Q361H variant (also known as c.1083A>C), located in coding exon 8 of the RAD50 gene, results from an A to C substitution at nucleotide position 1083. The glutamine at codon 361 is replaced by histidine, an amino acid with highly similar properties. This amino acid position is conserved. In addition, this alteration is predicted to be tolerated by in silico analysis. Based on the available evidence, the clinical significance of this alteration remains unclear.

Labcorp Genetics (formerly Invitae), Labcorp
Classification: Uncertain significance for Hereditary cancer-predisposing syndrome. Last evaluated: 2021-04-30. Review status: criteria provided, single submitter. Criteria: Invitae Variant Classification Sherloc (09022015). Collection method: clinical testing. Allele origin: germline.
Comment: In summary, the available evidence is currently insufficient to determine the role of this variant in disease. Therefore, it has been classified as a Variant of Uncertain Significance. Algorithms developed to predict the effect of missense changes on protein structure and function are either unavailable or do not agree on the potential impact of this missense change (SIFT: "Tolerated"; PolyPhen-2: "Possibly Damaging"; Align-GVGD: "Class C0"). This variant has not been reported in the literature in individuals with RAD50-related conditions. This variant is not present in population databases (ExAC no frequency). This sequence change replaces glutamine with histidine at codon 361 of the RAD50 protein (p.Gln361His). The glutamine residue is moderately conserved and there is a small physicochemical difference between glutamine and histidine.

NM_005732.4(RAD50):c.1083A>C (p.Gln361His)

Gene: RAD50 (RAD50 double strand break repair protein; plus strand). Cytogenetic location: 5q31.1.
Variant type: single nucleotide variant.
Coding change: c.1083A>C on transcript NM_005732.4 (MANE Select); coding-DNA position 1083, A replaced by C.
Protein change: p.Gln361His; replaces glutamine 361 with histidine.
Molecular consequence: missense variant.
Genome position (GRCh38, 1-based): chr5:132,588,718, A>C. VCF-style: chr5-132588718-A-C. GRCh37 (hg19) VCF-style: chr5-131924410-A-C.
Other names: c.1083A>C (NM_005732.3); short protein forms Q361H.
Identifiers: ClinVar variation 1485854 (VCV001485854.9), dbSNP rs1060504402, ClinGen allele CA360942155.
Genomic context (GRCh38, chr5:132,588,718, plus strand): 5'-AAAAAATTATGAGATTTTTTTTTTAAAAGGTCGTCTACAGCTGCAAGCAGATCGCCATCA[A>C]GAACATATCCGAGCTAGAGATTCATTAATTCAGTCTTTGGCAACACAGCTAGAATTGGAT-3'
Protein context (NP_005723.2, residues 351-371): GRLQLQADRH[Gln361His]EHIRARDSLI